The following is an entry in ClinVar:

NM_014714.4(IFT140):c.1918G>A (p.Asp640Asn)

Gene: IFT140 (intraflagellar transport 140; minus strand). Cytogenetic location: 16p13.3.
Variant type: single nucleotide variant.
Coding change: c.1918G>A on transcript NM_014714.4 (MANE Select); coding-DNA position 1918, G replaced by A.
Protein change: p.Asp640Asn; replaces aspartic acid 640 with asparagine.
Molecular consequence: missense variant.
Genome position (GRCh38, 1-based): chr16:1,564,146, C>T on the plus strand (G>A on the coding strand, the complement: IFT140 is on the minus strand). VCF-style: chr16-1564146-C-T. GRCh37 (hg19) VCF-style: chr16-1614147-C-T.
Other names: short protein forms D640N.
Identifiers: ClinVar variation 318183 (VCV000318183.18), dbSNP rs61742753, ClinGen allele CA7814079.

ClinVar aggregate classification (germline): Benign. Review status: criteria provided, multiple submitters, no conflicts (2 of 4 stars). 4 submissions from 4 submitters: Benign (4). Last evaluated 2026-02-02.

Conditions:
Saldino-Mainzer syndrome (SRTD9). Also called: Renal dysplasia, retinal pigmentary dystrophy, cerebellar ataxia and skeletal dysplasia; SHORT-RIB THORACIC DYSPLASIA 9 WITHOUT POLYDACTYLY; CONORENAL SYNDROME; short-rib thoracic dysplasia 9 with or without polydactyly. Identifiers: Orphanet 140969, MedGen C1849437, MONDO:0009964, OMIM 266920.

Allele frequency attached by ClinVar (database versions not stated): gnomAD exomes 0.00222 and 0.00568; ExAC 0.00712; gnomAD 0.02185 and 0.02347; ESP Exome Variant Server 0.02493; TOPMed 0.02519; 1000 Genomes Project 0.02676; 1000 Genomes Project 30x 0.02873.

Submissions (4):

Labcorp Genetics (formerly Invitae), Labcorp
Classification: Benign for Saldino-Mainzer syndrome. Last evaluated: 2026-02-02. Review status: criteria provided, single submitter. Criteria: Invitae Variant Classification Sherloc (09022015). Collection method: clinical testing. Allele origin: germline.

GeneDx
Classification: Benign. Last evaluated: 2021-05-04. Review status: criteria provided, single submitter. Criteria: GeneDx Variant Classification Process June 2021. Collection method: clinical testing. Allele origin: germline. Affected: yes.

Illumina Laboratory Services, Illumina
Classification: Benign for Saldino-Mainzer syndrome. Last evaluated: 2018-01-12. Review status: criteria provided, single submitter. Criteria: ICSL Variant Classification Criteria 13 December 2019. Collection method: clinical testing. Allele origin: germline.
Comment: This variant was observed in the ICSL laboratory as part of a predisposition screen in an ostensibly healthy population. It had not been previously curated by ICSL or reported in the Human Gene Mutation Database (HGMD: prior to June 1st, 2018), and was therefore a candidate for classification through an automated scoring system. Utilizing variant allele frequency, disease prevalence and penetrance estimates, and inheritance mode, an automated score was calculated to assess if this variant is too frequent to cause the disease. Based on the score and internal cut-off values, a variant classified as benign is not then subjected to further curation. The score for this variant resulted in a classification of benign for this disease.

Breakthrough Genomics
Classification: Benign. Review status: criteria provided, single submitter. Criteria: ACMG Guidelines, 2015. Collection method: not provided. Allele origin: germline. Inheritance: Autosomal recessive inheritance. Affected: yes.